The following is an entry in ClinVar:

NC_000007.14:g.(?_16301411)_(16308637_?)del

Gene: CRPPA (CDP-L-ribitol pyrophosphorylase A; minus strand). Cytogenetic location: 7p21.2.
Variant type: Deletion.
Identifiers: ClinVar variation 656841 (VCV000656841.1).

ClinVar aggregate classification (germline): Pathogenic (1 of 4 stars; one submission).

Conditions:
Muscular dystrophy-dystroglycanopathy (congenital with brain and eye anomalies), type A, 7. Also called: WALKER-WARBURG SYNDROME OR MUSCLE-EYE-BRAIN DISEASE, ISPD-RELATED; Congenital muscular dystrophy-dystroglycanopathy with brain and eye anomalies, type A7. Identifiers: Orphanet 899, MedGen C3553330, MONDO:0013835, OMIM 614643.
Autosomal recessive limb-girdle muscular dystrophy type 2U. Also called: Muscular dystrophy-dystroglycanopathy (limb-girdle), type c, 7; MUSCULAR DYSTROPHY, LIMB-GIRDLE, TYPE 2U. Identifiers: Orphanet 352479, MedGen C5190987, MONDO:0014474, OMIM 616052.

Submission:

Labcorp Genetics (formerly Invitae), Labcorp
Classification: Pathogenic for Congenital muscular dystrophy-dystroglycanopathy with brain and eye anomalies, type A7; Muscular dystrophy-dystroglycanopathy (limb-girdle), type c, 7. Last evaluated: 2018-12-31. Review status: criteria provided, single submitter. Criteria: Invitae Variant Classification Sherloc (09022015). Collection method: clinical testing. Allele origin: germline.
Comment: This variant is an out-of-frame deletion of the genomic region encompassing exons 4-5 of the ISPD gene. This creates a premature translational stop signal and is expected to result in an absent or disrupted protein product. This variant has not been reported in the literature in individuals with ISPD-related disease. Loss-of-function variants in ISPD are known to be pathogenic (PMID: 22522421). For these reasons, this variant has been classified as Pathogenic.